The following is an entry in ClinVar:

ClinVar aggregate classification (germline): Uncertain significance (1 of 4 stars; one submission).

gnomAD v4.1: 7 of 1,584,594 alleles (0.00044%); highest among the groups gnomAD compares: Non-Finnish European, 0.0006%; no homozygotes.

Submission:

Women's Health and Genetics/Laboratory Corporation of America, LabCorp
Classification: Uncertain significance. Last evaluated: 2024-12-10. Review status: criteria provided, single submitter. Criteria: LabCorp Variant Classification Summary - May 2015. Collection method: clinical testing. Allele origin: germline.
Comment: Variant summary: TBX1 c.*13C>G is located in the untranslated mRNA region downstream of the termination codon. The variant was absent in 210052 control chromosomes. The available data on variant occurrences in the general population are insufficient to allow any conclusion about variant significance. To our knowledge, no occurrence of c.*13C>G in individuals affected with TBX1-Related Disorders and no experimental evidence demonstrating its impact on protein function have been reported. No submitters have cited clinical-significance assessments for this variant to ClinVar. Based on the evidence outlined above, the variant was classified as uncertain significance.

NM_001379200.1(TBX1):c.*13C>G

Gene: TBX1 (T-box transcription factor 1; plus strand). Cytogenetic location: 22q11.21.
Variant type: single nucleotide variant.
Coding change: c.*13C>G on transcript NM_001379200.1 (MANE Select); 13 bases downstream of the stop codon, C replaced by G.
Molecular consequence: 3 prime UTR variant. On other transcripts: intron variant (2).
Genome position (GRCh38, 1-based): chr22:19,766,880, C>G. VCF-style: chr22-19766880-C-G. GRCh37 (hg19) VCF-style: chr22-19754403-C-G.
Other names: c.*13C>G (NM_080647.1); c.1009+878C>G (NM_005992.1, NM_080646.2).
Identifiers: ClinVar variation 3768163 (VCV003768163.1).